The following is an entry in ClinVar:

ClinVar aggregate classification (germline): Pathogenic (1 of 4 stars; one submission).

Submission:

GeneDx
Classification: Pathogenic. Last evaluated: 2022-10-25. Review status: criteria provided, single submitter. Criteria: GeneDx Variant Classification Process June 2021. Collection method: clinical testing. Allele origin: germline. Affected: yes.
Comment: Not observed at significant frequency in large population cohorts (gnomAD); Canonical splice site variant predicted to result in a null allele in a gene for which loss of function is a known mechanism of disease; Published in vitro functional studies show decreased mRNA and protein levels, elevated apoptosis, and reduced proliferation (Jia et al., 2022); This variant is associated with the following publications: (PMID: 35778654)

NM_004387.4(NKX2-5):c.335-1G>A

Gene: NKX2-5 (NK2 homeobox 5; minus strand). Cytogenetic location: 5q35.1.
Variant type: single nucleotide variant.
Coding change: c.335-1G>A on transcript NM_004387.4 (MANE Select); the canonical splice acceptor site of the intron before coding-DNA position 335, G replaced by A.
Molecular consequence: splice acceptor variant. On other transcripts: 3 prime UTR variant (2).
Genome position (GRCh38, 1-based): chr5:173,233,210, C>T on the plus strand (G>A on the coding strand, the complement: NKX2-5 is on the minus strand). VCF-style: chr5-173233210-C-T. GRCh37 (hg19) VCF-style: chr5-172660213-C-T.
Other names: c.*287G>A (NM_001166175.2); c.*133G>A (NM_001166176.2).
Identifiers: ClinVar variation 2499858 (VCV002499858.1), dbSNP rs864321645, ClinGen allele CA362162070.
Genomic context (GRCh38, chr5:173,233,210, plus strand): 5'-GCTCCGCGTTGTCCGCCTCTGTCTTCTCCAGCTCCACCGCCTTCTGCAGCGCGCACAGCT[C>T]TGAGGGGGAACAGAGAGGCAGAGAGACGCTTGGTAAGAGCGGCTTGACCTACGGAGCGCG-3'